The following is an entry in ClinVar:

ClinVar aggregate classification (germline): Likely benign. Review status: criteria provided, single submitter (1 of 4 stars). 2 submissions from 2 submitters: Likely benign (1). 1 of the submissions does not count toward it. Last evaluated 2023-08-29.

Conditions:
Familial cancer of breast. Also called: BREAST CANCER, FAMILIAL; Hereditary breast cancer; hereditary breast carcinoma. Identifiers: Orphanet 227535, MedGen C0346153, MONDO:0016419, OMIM 114480. Disease mechanism: loss of function.

Submissions (2):

Ophthalmic Genetics Group, Institute of Molecular and Clinical Ophthalmology Basel
Classification: Likely benign for Familial cancer of breast. Last evaluated: 2023-08-29. Review status: criteria provided, single submitter. Criteria: ACMG Guidelines, 2015. Collection method: curation. Allele origin: unknown.
Comment: Clinical significance based on ACMG v2.0

This variant was classified as Likely benign based on ACMG criteria: BS1 and BP7.

Department of Zoology Govt. MVM College
Classification: Likely pathogenic for Familial cancer of breast. Review status: no assertion criteria provided. Collection method: not provided. Allele origin: unknown. Not counted in ClinVar's aggregate classification.
Comment: KM276990
ClinVar note: Converted during submission from probable-pathogenic to Likely pathogenic.

NC_012920.1(MT-CYB):m.15553G>A

Gene: MT-CYB (mitochondrially encoded cytochrome b; plus strand).
Variant type: single nucleotide variant.
Genome position: chrM-15553-G-A.
Identifiers: ClinVar variation 143894 (VCV000143894.4), dbSNP rs527236189, ClinGen allele CA270618.
Genomic context (GRCh38, chrMT:15,553, plus strand): 5'-CCTAGGCGACCCAGACAATTATACCCTAGCCAACCCCTTAAACACCCCTCCCCACATCAA[G>A]CCCGAATGATATTTCCTATTCGCCTACACAATTCTCCGATCCGTCCCTAACAAACTAGGA-3'